The following is an entry in ClinVar:

NM_006949.4(STXBP2):c.87+1G>A

Gene: STXBP2 (syntaxin binding protein 2; plus strand). Cytogenetic location: 19p13.2.
Variant type: single nucleotide variant.
Coding change: c.87+1G>A on transcript NM_006949.4 (MANE Select); the canonical splice donor site of the intron after coding-DNA position 87, G replaced by A.
Molecular consequence: splice donor variant.
Genome position (GRCh38, 1-based): chr19:7,638,776, G>A. VCF-style: chr19-7638776-G-A. GRCh37 (hg19) VCF-style: chr19-7703662-G-A.
Other names: c.87+1G>A (NM_001272034.2, NM_001127396.3); c.-10+1G>A (NM_001414484.1).
Identifiers: ClinVar variation 2048510 (VCV002048510.4), dbSNP rs1290991040, ClinGen allele CA403155271.
Genomic context (GRCh38, chr19:7,638,776, plus strand): 5'-TTCCCTGCAGAAATTCTGAGCGGAGTTATTCGGAGTGTCAAGAAGGATGGGGAGTGGAAG[G>A]TAGGGGTGAGGCAGATGGCTGGGTACCCAGAGGCAGCTCATCATCAGGCCTATGGGGAAG-3'

ClinVar aggregate classification (germline): Likely pathogenic (1 of 4 stars; one submission).

Conditions:
Familial hemophagocytic lymphohistiocytosis 5. Also called: STXBP2-Related Familial Hemophagocytic Lymphohistiocytosis (STXBP2-fHLH). Identifiers: Orphanet 540, MedGen C2751293, MONDO:0013135, OMIM 613101.

Allele frequency attached by ClinVar (database versions not stated): gnomAD exomes below 0.00001.
gnomAD v4.1: 7 of 1,614,160 alleles (0.00043%); highest among the groups gnomAD compares: Non-Finnish European, 0.00059%; no homozygotes.

Submission:

Labcorp Genetics (formerly Invitae), Labcorp
Classification: Likely pathogenic for Familial hemophagocytic lymphohistiocytosis 5. Last evaluated: 2023-08-03. Review status: criteria provided, single submitter. Criteria: Invitae Variant Classification Sherloc (09022015). Collection method: clinical testing. Allele origin: germline.
Comment: This sequence change affects a donor splice site in intron 2 of the STXBP2 gene. It is expected to disrupt RNA splicing. Variants that disrupt the donor or acceptor splice site typically lead to a loss of protein function (PMID: 16199547), and loss-of-function variants in STXBP2 are known to be pathogenic (PMID: 19804848, 22451424). This variant is present in population databases (no rsID available, gnomAD 0.0009%). Disruption of this splice site has been observed in individual(s) with clinical features of hemophagocytic lymphohistiocytosis (PMID: 22451424). ClinVar contains an entry for this variant (Variation ID: 2048510). Algorithms developed to predict the effect of sequence changes on RNA splicing suggest that this variant may disrupt the consensus splice site. In summary, the currently available evidence indicates that the variant is pathogenic, but additional data are needed to prove that conclusively. Therefore, this variant has been classified as Likely Pathogenic.

Literature cited by the submitters: PubMed 16199547; PubMed 19804848; PubMed 22451424.